The following is an entry in ClinVar:

ClinVar aggregate classification (germline): Likely benign (1 of 4 stars; one submission).

Allele frequency attached by ClinVar (database versions not stated): 1000 Genomes Project 30x 0.00781; TOPMed 0.00914; 1000 Genomes Project 0.00919.
gnomAD v4.1: 1,250 of 152,164 alleles (0.82%); highest among the groups gnomAD compares: African/African-American, 2.8%; 15 homozygotes.

Submission:

GeneDx
Classification: Likely benign. Last evaluated: 2021-06-15. Review status: criteria provided, single submitter. Criteria: GeneDx Variant Classification Process June 2021. Collection method: clinical testing. Allele origin: germline. Affected: yes.
Comment: See Variant Classification Assertion Criteria.

NM_020223.4(FAM20C):c.1505+174G>A

Gene: FAM20C (FAM20C golgi associated secretory pathway kinase; plus strand). Cytogenetic location: 7p22.3.
Variant type: single nucleotide variant.
Coding change: c.1505+174G>A on transcript NM_020223.4 (MANE Select); 174 bases into the intron after coding-DNA position 1505, G replaced by A.
Molecular consequence: intron variant.
Genome position (GRCh38, 1-based): chr7:258,879, G>A. VCF-style: chr7-258879-G-A. GRCh37 (hg19) VCF-style: chr7-298845-G-A.
Identifiers: ClinVar variation 1706940 (VCV001706940.2), dbSNP rs151187312, ClinGen allele CA152287059.